The following is an entry in ClinVar:

NM_018975.4(TERF2IP):c.484G>T (p.Ala162Ser)

Gene: TERF2IP (TERF2 interacting protein; plus strand). Cytogenetic location: 16q23.1.
Variant type: single nucleotide variant.
Coding change: c.484G>T on transcript NM_018975.4 (MANE Select); coding-DNA position 484, G replaced by T.
Protein change: p.Ala162Ser; replaces alanine 162 with serine.
Molecular consequence: missense variant. On other transcripts: non-coding transcript variant (1).
Genome position (GRCh38, 1-based): chr16:75,648,366, G>T. VCF-style: chr16-75648366-G-T. GRCh37 (hg19) VCF-style: chr16-75682264-G-T.
Other names: short protein forms A162S.
Identifiers: ClinVar variation 3455114 (VCV003455114.1).

ClinVar aggregate classification (germline): Uncertain significance (1 of 4 stars; one submission).

Submission:

Ambry Genetics
Classification: Uncertain significance. Last evaluated: 2024-08-31. Review status: criteria provided, single submitter. Criteria: Ambry Variant Classification Scheme 2023. Collection method: clinical testing. Allele origin: germline.
Comment: The p.A162S variant (also known as c.484G>T), located in coding exon 1 of the TERF2IP gene, results from a G to T substitution at nucleotide position 484. The alanine at codon 162 is replaced by serine, an amino acid with similar properties. This amino acid position is conserved. In addition, this alteration is predicted to be tolerated by in silico analysis. Based on the available evidence, the clinical significance of this variant remains unclear.